The following is an entry in ClinVar:

ClinVar aggregate classification (germline): Pathogenic (1 of 4 stars; one submission).

Conditions:
Charcot-Marie-Tooth Neuropathy X. Identifiers: MedGen CN118851.

Submission:

Labcorp Genetics (formerly Invitae), Labcorp
Classification: Pathogenic for Charcot-Marie-Tooth Neuropathy X. Last evaluated: 2024-01-18. Review status: criteria provided, single submitter. Criteria: Invitae Variant Classification Sherloc (09022015). Collection method: clinical testing. Allele origin: germline.
Comment: This sequence change creates a premature translational stop signal (p.Arg219Alafs*29) in the GJB1 gene. While this is not anticipated to result in nonsense mediated decay, it is expected to disrupt the last 65 amino acid(s) of the GJB1 protein. This variant is not present in population databases (gnomAD no frequency). This variant has not been reported in the literature in individuals affected with GJB1-related conditions. This variant disrupts a region of the GJB1 protein in which other variant(s) (p.Arg220*) have been determined to be pathogenic (PMID: 7477983, 8162049, 8816997, 9364054, 21291455). This suggests that this is a clinically significant region of the protein, and that variants that disrupt it are likely to be disease-causing. For these reasons, this variant has been classified as Pathogenic.

Literature cited by the submitters: PubMed 7477983; PubMed 8162049; PubMed 8816997; PubMed 9364054; PubMed 21291455.

NM_000166.6(GJB1):c.655_670del (p.Arg219fs)

Gene: GJB1 (gap junction protein beta 1; plus strand). Cytogenetic location: Xq13.1.
Variant type: Deletion.
Coding change: c.655_670del on transcript NM_000166.6 (MANE Select); coding-DNA positions 655 to 670, 16 bases deleted (CGCCGAGCCCAGCGCC).
Protein change: p.Arg219fs; shifts the reading frame from arginine 219.
Molecular consequence: frameshift variant.
Genome position (GRCh38, 1-based): chrX:71,224,362-71,224,377, CGCCGAGCCCAGCGCC deleted; deleting any 16 consecutive bases within chrX:71,224,359-71,224,377 gives the same sequence; the c. name uses the placement nearest the transcript's 3' end. VCF-style (leftmost placement, unchanged base first): chrX-71224358-TGCCCGCCGAGCCCAGC-T. GRCh37 (hg19) VCF-style: chrX-70444208-TGCCCGCCGAGCCCAGC-T.
Other names: c.655_670del, p.Arg219fs (NM_001097642.3); short protein forms R219fs.
Identifiers: ClinVar variation 2710022 (VCV002710022.3), dbSNP rs2519799076, ClinGen allele CA2697553171.
Genomic context (GRCh38, chrX:71,224,358, plus strand): 5'-CTCTGGCATCTGCATCATCCTCAATGTGGCCGAGGTGGTGTACCTCATCATCCGGGCCTG[TGCCCGCCGAGCCCAGC>T]GCCGCTCCAATCCACCTTCCCGCAAGGGCTCGGGCTTCGGCCACCGCCTCTCACCTGAAT-3'